The following is an entry in ClinVar:

ClinVar aggregate classification (germline): Uncertain significance (1 of 4 stars; one submission).

Allele frequency attached by ClinVar (database versions not stated): gnomAD exomes below 0.00001.
gnomAD v4.1: 2 of 1,611,094 alleles (0.00012%); highest among the groups gnomAD compares: South Asian, 0.0022%; no homozygotes.

Submission:

Labcorp Genetics (formerly Invitae), Labcorp
Classification: Uncertain significance. Last evaluated: 2023-09-19. Review status: criteria provided, single submitter. Criteria: Invitae Variant Classification Sherloc (09022015). Collection method: clinical testing. Allele origin: germline.
Comment: In summary, the available evidence is currently insufficient to determine the role of this variant in disease. Therefore, it has been classified as a Variant of Uncertain Significance. Advanced modeling of protein sequence and biophysical properties (such as structural, functional, and spatial information, amino acid conservation, physicochemical variation, residue mobility, and thermodynamic stability) has been performed at Invitae for this missense variant, however the output from this modeling did not meet the statistical confidence thresholds required to predict the impact of this variant on POGLUT1 protein function. This variant has not been reported in the literature in individuals affected with POGLUT1-related conditions. This variant is present in population databases (no rsID available, gnomAD 0.003%). This sequence change replaces alanine, which is neutral and non-polar, with serine, which is neutral and polar, at codon 241 of the POGLUT1 protein (p.Ala241Ser).

NM_152305.3(POGLUT1):c.721G>T (p.Ala241Ser)

Gene: POGLUT1 (protein O-glucosyltransferase 1; plus strand). Cytogenetic location: 3q13.33.
Variant type: single nucleotide variant.
Coding change: c.721G>T on transcript NM_152305.3 (MANE Select); coding-DNA position 721, G replaced by T.
Protein change: p.Ala241Ser; replaces alanine 241 with serine.
Molecular consequence: missense variant. On other transcripts: non-coding transcript variant (1).
Genome position (GRCh38, 1-based): chr3:119,486,915, G>T. VCF-style: chr3-119486915-G-T. GRCh37 (hg19) VCF-style: chr3-119205762-G-T.
Other names: c.721G>T, p.Ala241Ser (NM_020231.3); short protein forms A241S.
Identifiers: ClinVar variation 2777532 (VCV002777532.3), dbSNP rs1347451407, ClinGen allele CA354045989.
Genomic context (GRCh38, chr3:119,486,915, plus strand): 5'-CTCATTCTTCTGTCTCGGAAAAACCCAAAACTTGTTGATGCAGAATACACCAAAAACCAG[G>T]CCTGGAAATCTATGAAAGTAATCACCAGTCATCTGACTAGAACTACAGCAGTGAACATTC-3'
Protein context (NP_689518.1, residues 231-251): LVDAEYTKNQ[Ala241Ser]WKSMKDTLGK